The following is an entry in ClinVar:

ClinVar aggregate classification (germline): Uncertain significance (1 of 4 stars; one submission).

Conditions:
Hereditary cancer-predisposing syndrome. Also called: Hereditary neoplastic syndrome; Neoplastic Syndromes, Hereditary; Tumor predisposition; Hereditary Cancer Syndrome. Identifiers: Orphanet 140162, MedGen C0027672, MeSH D009386, MONDO:0015356.

Submission:

Ambry Genetics
Classification: Uncertain significance for Hereditary cancer-predisposing syndrome. Last evaluated: 2025-08-27. Review status: criteria provided, single submitter. Criteria: Ambry Variant Classification Scheme 2023. Collection method: clinical testing. Allele origin: germline.
Comment: The p.S298C variant (also known as c.892A>T), located in coding exon 10 of the MUTYH gene, results from an A to T substitution at nucleotide position 892. The serine at codon 298 is replaced by cysteine, an amino acid with dissimilar properties. This amino acid position is conserved. In addition, the in silico prediction for this alteration is inconclusive. Based on the available evidence, the clinical significance of this variant remains unclear.

NM_001048174.2(MUTYH):c.808A>T (p.Ser270Cys)

Gene: MUTYH (mutY DNA glycosylase; minus strand). Cytogenetic location: 1p34.1.
Variant type: single nucleotide variant.
Coding change: c.808A>T on transcript NM_001048174.2 (MANE Select); coding-DNA position 808, A replaced by T.
Protein change: p.Ser270Cys; replaces serine 270 with cysteine.
Molecular consequence: missense variant. On other transcripts: non-coding transcript variant (7).
Genome position (GRCh38, 1-based): chr1:45,332,207, T>A on the plus strand (A>T on the coding strand, the complement: MUTYH is on the minus strand). VCF-style: chr1-45332207-T-A. GRCh37 (hg19) VCF-style: chr1-45797879-T-A.
Other names: c.808A>T, p.Ser270Cys (NM_001048171.2, NM_001048173.2, NM_001407072.1 and 6 more transcripts); c.811A>T, p.Ser271Cys (NM_001048172.2, NM_001407078.1, NM_001407071.1 and 1 more transcripts); c.892A>T, p.Ser298Cys (NM_001128425.2); c.853A>T, p.Ser285Cys (NM_001293190.2); c.724A>T, p.Ser242Cys (NM_001407075.1); c.841A>T, p.Ser281Cys (NM_001407077.1, NM_001293191.2, NM_001407069.1); c.769A>T, p.Ser257Cys (NM_001407079.1); c.766A>T, p.Ser256Cys (NM_001407080.1); and 5 more; short protein forms S277C, S284C, S242C, S256C, S271C, S295C, S298C, S281C.
Identifiers: ClinVar variation 4113886 (VCV004113886.1).
Genomic context (GRCh38, chr1:45,332,207, plus strand): 5'-CCTTCCCCAGTAGGCTTACTCTCTGGCGTGCCCGGCACAGGCTCTCCACAGGGCACTGGC[T>A]GCACAGTGGGCGCTGTGGGGTACACACTGTGGCCCCTAGCTCCATGGCTGCTTGGTTGAA-3'
Protein context (NP_001041639.1, residues 260-280): TVCTPQRPLC[Ser270Cys]QCPVESLCRA